The following is an entry in ClinVar:

NM_177438.3(DICER1):c.3682C>G (p.Gln1228Glu)

Gene: DICER1 (dicer 1, ribonuclease III; minus strand). Cytogenetic location: 14q32.13.
Variant type: single nucleotide variant.
Coding change: c.3682C>G on transcript NM_177438.3 (MANE Select); coding-DNA position 3682, C replaced by G.
Protein change: p.Gln1228Glu; replaces glutamine 1228 with glutamic acid.
Molecular consequence: missense variant. On other transcripts: non-coding transcript variant (6).
Genome position (GRCh38, 1-based): chr14:95,103,714, G>C on the plus strand (C>G on the coding strand, the complement: DICER1 is on the minus strand). VCF-style: chr14-95103714-G-C. GRCh37 (hg19) VCF-style: chr14-95570051-G-C.
Other names: c.3115C>G, p.Gln1039Glu (NM_001395691.1); c.3682C>G, p.Gln1228Glu (NM_001395692.1, NM_001395693.1, NM_001395694.1 and 12 more transcripts); c.3277C>G, p.Gln1093Glu (NM_001395696.1, NM_001395687.1, NM_001395688.1 and 2 more transcripts); c.1999C>G, p.Gln667Glu (NM_001395697.1); c.3400C>G, p.Gln1134Glu (NM_001395686.1); short protein forms Q1039E, Q1228E, Q1093E, Q1134E, Q667E.
Identifiers: ClinVar variation 4694930 (VCV004694930.1).

ClinVar aggregate classification (germline): Uncertain significance (1 of 4 stars; one submission).

Conditions:
DICER1-related tumor predisposition. Also called: DICER1-related pleuropulmonary blastoma cancer predisposition syndrome; DICER1 syndrome. Identifiers: Orphanet 284343, MedGen C3839822, MONDO:0100216.

Submission:

Labcorp Genetics (formerly Invitae), Labcorp
Classification: Uncertain significance for DICER1-related tumor predisposition. Last evaluated: 2026-01-10. Review status: criteria provided, single submitter. Criteria: Invitae Variant Classification Sherloc (09022015). Collection method: clinical testing. Allele origin: germline.
Comment: This sequence change replaces glutamine, which is neutral and polar, with glutamic acid, which is acidic and polar, at codon 1228 of the DICER1 protein (p.Gln1228Glu). This variant is not present in population databases (gnomAD no frequency). This variant has not been reported in the literature in individuals affected with DICER1-related conditions. Invitae Evidence Modeling of protein sequence and biophysical properties (such as structural, functional, and spatial information, amino acid conservation, physicochemical variation, residue mobility, and thermodynamic stability) indicates that this missense variant is not expected to disrupt DICER1 protein function with a negative predictive value of 95%. In summary, the available evidence is currently insufficient to determine the role of this variant in disease. Therefore, it has been classified as a Variant of Uncertain Significance.